The following is an entry in ClinVar:

ClinVar aggregate classification (germline): Uncertain significance (1 of 4 stars; one submission).

Allele frequency attached by ClinVar (database versions not stated): gnomAD exomes below 0.00001; gnomAD 0.00001; TOPMed 0.00001.
gnomAD v4.1: 17 of 1,612,876 alleles (0.0011%); highest among the groups gnomAD compares: African/African-American, 0.0013%; no homozygotes.

Submission:

Labcorp Genetics (formerly Invitae), Labcorp
Classification: Uncertain significance. Last evaluated: 2022-11-07. Review status: criteria provided, single submitter. Criteria: Invitae Variant Classification Sherloc (09022015). Collection method: clinical testing. Allele origin: germline.
Comment: This sequence change replaces arginine, which is basic and polar, with cysteine, which is neutral and slightly polar, at codon 149 of the RELA protein (p.Arg149Cys). This variant is present in population databases (no rsID available, gnomAD 0.004%). In summary, the available evidence is currently insufficient to determine the role of this variant in disease. Therefore, it has been classified as a Variant of Uncertain Significance. This variant has not been reported in the literature in individuals affected with RELA-related conditions. ClinVar contains an entry for this variant (Variation ID: 1486998). Algorithms developed to predict the effect of missense changes on protein structure and function are either unavailable or do not agree on the potential impact of this missense change (SIFT: "Deleterious"; PolyPhen-2: "Probably Damaging"; Align-GVGD: "Class C0").

NM_021975.4(RELA):c.445C>T (p.Arg149Cys)

Gene: RELA (RELA proto-oncogene, NF-kB subunit; minus strand). Cytogenetic location: 11q13.1.
Variant type: single nucleotide variant.
Coding change: c.445C>T on transcript NM_021975.4 (MANE Select); coding-DNA position 445, C replaced by T.
Protein change: p.Arg149Cys; replaces arginine 149 with cysteine.
Molecular consequence: missense variant.
Genome position (GRCh38, 1-based): chr11:65,659,780, G>A on the plus strand (C>T on the coding strand, the complement: RELA is on the minus strand). VCF-style: chr11-65659780-G-A. GRCh37 (hg19) VCF-style: chr11-65427251-G-A.
Other names: c.436C>T, p.Arg146Cys (NM_001145138.2); c.445C>T, p.Arg149Cys (NM_001243984.2, NM_001243985.2); short protein forms R146C, R149C.
Identifiers: ClinVar variation 1486998 (VCV001486998.6), dbSNP rs1365998197, ClinGen allele CA381393178.